The following is an entry in ClinVar:

NM_006494.4(ERF):c.208C>T (p.Arg70Cys)

Gene: ERF (ETS2 repressor factor; minus strand). Cytogenetic location: 19q13.2.
Variant type: single nucleotide variant.
Coding change: c.208C>T on transcript NM_006494.4 (MANE Select); coding-DNA position 208, C replaced by T.
Protein change: p.Arg70Cys; replaces arginine 70 with cysteine.
Molecular consequence: missense variant. On other transcripts: 5 prime UTR variant (3).
Genome position (GRCh38, 1-based): chr19:42,250,380, G>A on the plus strand (C>T on the coding strand, the complement: ERF is on the minus strand). VCF-style: chr19-42250380-G-A. GRCh37 (hg19) VCF-style: chr19-42754532-G-A.
Other names: c.-18C>T (NM_001301035.2, NM_001308402.2, NM_001312656.2); short protein forms R70C.
Identifiers: ClinVar variation 543068 (VCV000543068.8), dbSNP rs756869919, ClinGen allele CA9471483.
Genomic context (GRCh38, chr19:42,250,380, plus strand): 5'-CCCGTCCTCACCGCAGGGCCCGGCTCAGCTTGTCGTAATTCATCTGGGGCTTGCACTTGC[G>A]AACGCCCCACAGCCGGGCCACCTCATCAGGGTCTTTGATGACGAATTCCCCGTAGTCCCC-3'
Protein context (NP_006485.2, residues 60-80): PDEVARLWGV[Arg70Cys]KCKPQMNYDK

ClinVar aggregate classification (germline): Uncertain significance (1 of 4 stars; one submission).

Conditions:
TWIST1-related craniosynostosis (CRS1). Also called: CRANIOSYNOSTOSIS 1. Identifiers: Orphanet 63440, MedGen C4551902, MONDO:0007399, OMIM 123100. Inheritance: Heterogenous inheritance pattern.

Allele frequency attached by ClinVar (database versions not stated): ExAC 0.00001; gnomAD 0.00002; TOPMed 0.00004; gnomAD exomes 0.00001.

Submission:

Labcorp Genetics (formerly Invitae), Labcorp
Classification: Uncertain significance for TWIST1-related craniosynostosis. Last evaluated: 2017-10-30. Review status: criteria provided, single submitter. Criteria: Invitae Variant Classification Sherloc (09022015). Collection method: clinical testing. Allele origin: germline.
Comment: In summary, the available evidence is currently insufficient to determine the role of this variant in disease. Therefore, it has been classified as a Variant of Uncertain Significance. Algorithms developed to predict the effect of missense changes on protein structure and function (SIFT, PolyPhen-2, Align-GVGD) all suggest that this variant is likely to be disruptive, but these predictions have not been confirmed by published functional studies and their clinical significance is uncertain. This variant has not been reported in the literature in individuals with ERF-related disease. This variant is present in population databases (rs756869919, ExAC 0.002%). This sequence change replaces arginine with cysteine at codon 70 of the ERF protein (p.Arg70Cys). The arginine residue is highly conserved and there is a large physicochemical difference between arginine and cysteine.